The following is an entry in ClinVar:

NM_015338.6(ASXL1):c.3044A>G (p.Glu1015Gly)

Gene: ASXL1 (ASXL transcriptional regulator 1; plus strand). Cytogenetic location: 20q11.21.
Variant type: single nucleotide variant.
Coding change: c.3044A>G on transcript NM_015338.6 (MANE Select); coding-DNA position 3044, A replaced by G.
Protein change: p.Glu1015Gly; replaces glutamic acid 1015 with glycine.
Molecular consequence: missense variant.
Genome position (GRCh38, 1-based): chr20:32,435,756, A>G. VCF-style: chr20-32435756-A-G. GRCh37 (hg19) VCF-style: chr20-31023559-A-G.
Other names: c.2861A>G, p.Glu954Gly (NM_001363734.1); short protein forms E1015G, E954G.
Identifiers: ClinVar variation 3793704 (VCV003793704.1).

ClinVar aggregate classification (germline): Uncertain significance (1 of 4 stars; one submission).

Conditions:
Inborn genetic diseases. Identifiers: MedGen C0950123, MeSH D030342.

gnomAD v4.1: 3 of 1,614,084 alleles (0.00019%); highest among the groups gnomAD compares: East Asian, 0.0022%; no homozygotes.

Submission:

Ambry Genetics
Classification: Uncertain significance for Inborn genetic diseases. Last evaluated: 2025-02-21. Review status: criteria provided, single submitter. Criteria: Ambry Variant Classification Scheme 2023. Collection method: clinical testing. Allele origin: germline.
Comment: The p.E1015G variant (also known as c.3044A>G), located in coding exon 13 of the ASXL1 gene, results from an A to G substitution at nucleotide position 3044. The glutamic acid at codon 1015 is replaced by glycine, an amino acid with similar properties. This amino acid position is conserved. In addition, this alteration is predicted to be tolerated by in silico analysis. Based on the available evidence, the clinical significance of this variant remains unclear.